The following is an entry in ClinVar:

NM_024036.5(LRFN4):c.157C>T (p.Leu53=)

Genes: LRFN4 (leucine rich repeat and fibronectin type III domain containing 4; plus strand), PC (pyruvate carboxylase; minus strand). Cytogenetic location: 11q13.2.
Variant type: single nucleotide variant.
Coding change: c.157C>T on transcript NM_024036.5 (MANE Select); coding-DNA position 157, C replaced by T.
Protein change: p.Leu53=; no amino-acid change (leucine 53 retained).
Molecular consequence: synonymous variant. On other transcripts: intron variant (9).
Genome position (GRCh38, 1-based): chr11:66,857,901, C>T. VCF-style: chr11-66857901-C-T. GRCh37 (hg19) VCF-style: chr11-66625372-C-T.
Other names: c.157C>T, p.Leu53= (NM_001363524.2); c.1369-4518G>A (NM_001439353.1, NM_000920.4, NM_001040716.2 and 6 more transcripts).
Identifiers: ClinVar variation 4681839 (VCV004681839.5).
Genomic context (GRCh38, chr11:66,857,901, plus strand): 5'-CTCTGTGCCCACCGAGGCCTGCTGTTTGTGCCGCCCAACGTGGACCGGCGCACAGTGGAG[C>T]TGCGGCTGGCTGACAACTTCATCCAGGCCCTGGGGCCCCCTGACTTCCGCAACATGACGG-3'
Protein context (NP_076941.2, residues 43-63): PPNVDRRTVE[Leu53=]RLADNFIQAL

ClinVar aggregate classification (germline): Likely benign (1 of 4 stars; one submission).

gnomAD v4.1: 10 of 1,611,716 alleles (0.00062%); highest among the groups gnomAD compares: Admixed American, 0.015%; no homozygotes.

Submission:

CeGaT Center for Human Genetics Tuebingen
Classification: Likely benign. Last evaluated: 2025-12-01. Review status: criteria provided, single submitter. Criteria: CeGaT Center For Human Genetics Tuebingen Variant Classification Criteria Version 2. Collection method: clinical testing. Allele origin: germline. Affected: yes. Observed: 1 variant allele.
Comment: LRFN4: BP4, BP7